The following is an entry in ClinVar:

NC_000012.11:g.(?_6437936)_(6451243_?)dup

Gene: TNFRSF1A (TNF receptor superfamily member 1A; minus strand). Cytogenetic location: 12p13.31.
Variant type: Duplication.
Identifiers: ClinVar variation 4848616 (VCV004848616.1).

ClinVar aggregate classification (germline): Uncertain significance (1 of 4 stars; one submission).

Submission:

Women's Health and Genetics/Laboratory Corporation of America, LabCorp
Classification: Uncertain significance. Last evaluated: 2026-04-28. Review status: criteria provided, single submitter. Criteria: LabCorp Variant Classification Summary - May 2015. Collection method: clinical testing. Allele origin: germline.
Comment: Variant summary: The variant involves the duplication of exons 1-10 in the TNFRSF1A gene. A presumed nomenclature of c.(?_-263)_(*542_?)dup has been designated for the purposes of this classification. This duplication includes the entire coding sequence of the gene. As exact breakpoints are unknown, it may extend beyond the annotated region of the gene, to include other flanking genes. The variant was absent in 21694 control chromosomes. The available data on variant occurrences in the general population are insufficient to allow any conclusion about variant significance. To our knowledge, no occurrence of c.(?_-263)_(*542_?)dup in individuals affected with TNFRSF1A-related conditions and no experimental evidence demonstrating its impact on protein function have been reported. No submitters have cited clinical-significance assessments for this variant to ClinVar. Based on the evidence outlined above, the variant was classified as uncertain significance.